The following is an entry in ClinVar:

NM_000166.6(GJB1):c.23C>G (p.Thr8Ser)

Gene: GJB1 (gap junction protein beta 1; plus strand). Cytogenetic location: Xq13.1.
Variant type: single nucleotide variant.
Coding change: c.23C>G on transcript NM_000166.6 (MANE Select); coding-DNA position 23, C replaced by G.
Protein change: p.Thr8Ser; replaces threonine 8 with serine.
Molecular consequence: missense variant.
Genome position (GRCh38, 1-based): chrX:71,223,730, C>G. VCF-style: chrX-71223730-C-G. GRCh37 (hg19) VCF-style: chrX-70443580-C-G.
Other names: c.23C>G, p.Thr8Ser (NM_001097642.3); short protein forms T8S.
Identifiers: ClinVar variation 3366321 (VCV003366321.1).

ClinVar aggregate classification (germline): Uncertain significance (1 of 4 stars; one submission).

Submission:

Women's Health and Genetics/Laboratory Corporation of America, LabCorp
Classification: Uncertain significance. Last evaluated: 2024-08-12. Review status: criteria provided, single submitter. Criteria: LabCorp Variant Classification Summary - May 2015. Collection method: clinical testing. Allele origin: germline.
Comment: Variant summary: GJB1 c.23C>G (p.Thr8Ser) results in a conservative amino acid change located in the Connexin, N-terminal domain (IPR013092) of the encoded protein sequence. Four of five in-silico tools predict a benign effect of the variant on protein function. The variant was absent in 182586 control chromosomes (gnomAD). The available data on variant occurrences in the general population are insufficient to allow any conclusion about variant significance. A different variant resulting in the same missense (c.22A>T / p.T8S) has been reported in the literature in individual(s) affected with Charcot-Marie-Tooth disease X-linked dominant 1 (Ouyang_2020). These data do not allow any conclusion about variant significance. To our knowledge, no experimental evidence demonstrating an impact on protein function has been reported. However, other missense changes affecting the same residue have been reported (T8I/P) in affected individuals (HGMD), suggesting that this amino acid might be functionally important. The following publication have been ascertained in the context of this evaluation (PMID: 32941234). No submitters have cited clinical-significance assessments for this variant to ClinVar. Based on the evidence outlined above, the variant was classified as uncertain significance.

Literature cited by the submitters: PubMed 32941234.